The following is an entry in ClinVar:

ClinVar aggregate classification (germline): Uncertain significance (1 of 4 stars; one submission).

Allele frequency attached by ClinVar (database versions not stated): gnomAD exomes 0.00003; ExAC 0.00007; gnomAD 0.00015; TOPMed 0.00021; 1000 Genomes Project 0.00060; 1000 Genomes Project 30x 0.00062.
gnomAD v4.1: 65 of 1,416,194 alleles (0.0046%); highest among the groups gnomAD compares: Middle Eastern, 0.13%; no homozygotes.

Submission:

Labcorp Genetics (formerly Invitae), Labcorp
Classification: Uncertain significance. Last evaluated: 2022-11-01. Review status: criteria provided, single submitter. Criteria: Invitae Variant Classification Sherloc (09022015). Collection method: clinical testing. Allele origin: germline.
Comment: This sequence change falls in intron 11 of the PIK3C2A gene. It does not directly change the encoded amino acid sequence of the PIK3C2A protein. This variant is present in population databases (rs150205393, gnomAD 0.05%). This variant has not been reported in the literature in individuals affected with PIK3C2A-related conditions. Algorithms developed to predict the effect of sequence changes on RNA splicing suggest that this variant may disrupt the consensus splice site. In summary, the available evidence is currently insufficient to determine the role of this variant in disease. Therefore, it has been classified as a Variant of Uncertain Significance.

NM_002645.4(PIK3C2A):c.2109-15A>G

Gene: PIK3C2A (phosphatidylinositol-4-phosphate 3-kinase catalytic subunit type 2 alpha; minus strand). Cytogenetic location: 11p15.1.
Variant type: single nucleotide variant.
Coding change: c.2109-15A>G on transcript NM_002645.4 (MANE Select); 15 bases into the intron before coding-DNA position 2109, A replaced by G.
Molecular consequence: intron variant.
Genome position (GRCh38, 1-based): chr11:17,132,053, T>C on the plus strand (A>G on the coding strand, the complement: PIK3C2A is on the minus strand). VCF-style: chr11-17132053-T-C. GRCh37 (hg19) VCF-style: chr11-17153600-T-C.
Other names: c.969-15A>G (NM_001321380.2); c.2109-15A>G (NM_001386870.1, NM_001321378.2).
Identifiers: ClinVar variation 1990186 (VCV001990186.1), dbSNP rs150205393, ClinGen allele CA5901180.